The following is an entry in ClinVar:

ClinVar aggregate classification (germline): Uncertain significance (1 of 4 stars; one submission).

gnomAD v4.1: 3 of 1,604,152 alleles (0.00019%); highest among the groups gnomAD compares: Non-Finnish European, 0.00026%; no homozygotes.

Submission:

Labcorp Genetics (formerly Invitae), Labcorp
Classification: Uncertain significance. Last evaluated: 2025-10-15. Review status: criteria provided, single submitter. Criteria: Invitae Variant Classification Sherloc (09022015). Collection method: clinical testing. Allele origin: germline.
Comment: This sequence change replaces glycine, which is neutral and non-polar, with alanine, which is neutral and non-polar, at codon 684 of the ACAN protein (p.Gly684Ala). This variant is present in population databases (no rsID available, gnomAD 0.007%). This variant has not been reported in the literature in individuals affected with ACAN-related conditions. Invitae Evidence Modeling of protein sequence and biophysical properties (such as structural, functional, and spatial information, amino acid conservation, physicochemical variation, residue mobility, and thermodynamic stability) indicates that this missense variant is not expected to disrupt ACAN protein function with a negative predictive value of 80%. In summary, the available evidence is currently insufficient to determine the role of this variant in disease. Therefore, it has been classified as a Variant of Uncertain Significance.

NM_001369268.1(ACAN):c.2051G>C (p.Gly684Ala)

Gene: ACAN (aggrecan; plus strand). Cytogenetic location: 15q26.1.
Variant type: single nucleotide variant.
Coding change: c.2051G>C on transcript NM_001369268.1 (MANE Select); coding-DNA position 2051, G replaced by C.
Protein change: p.Gly684Ala; replaces glycine 684 with alanine.
Molecular consequence: missense variant.
Genome position (GRCh38, 1-based): chr15:88,851,818, G>C. VCF-style: chr15-88851818-G-C. GRCh37 (hg19) VCF-style: chr15-89395049-G-C.
Other names: c.2051G>C, p.Gly684Ala (NM_001135.4, NM_001411096.1, NM_001411097.1 and 1 more transcripts); short protein forms G684A.
Identifiers: ClinVar variation 4764308 (VCV004764308.1).